The following is an entry in ClinVar:

ClinVar aggregate classification (germline): Uncertain significance. Review status: criteria provided, multiple submitters, no conflicts (2 of 4 stars). 2 submissions from 2 submitters: Uncertain significance (2). Last evaluated 2022-01-03.

Conditions:
Usher syndrome type 2C. Also called: Usher syndrome, type 2B; USHER SYNDROME, TYPE IIC. Identifiers: Orphanet 231178, Orphanet 886, MedGen C2931213, MONDO:0011558, OMIM 605472.

Allele frequency attached by ClinVar (database versions not stated): gnomAD exomes 0.00001.
gnomAD v4.1: 5 of 1,614,010 alleles (0.00031%); highest among the groups gnomAD compares: Non-Finnish European, 0.00042%; no homozygotes.

Submissions (2):

Labcorp Genetics (formerly Invitae), Labcorp
Classification: Uncertain significance. Last evaluated: 2022-01-03. Review status: criteria provided, single submitter. Criteria: Invitae Variant Classification Sherloc (09022015). Collection method: clinical testing. Allele origin: germline.
Comment: This sequence change replaces methionine, which is neutral and non-polar, with valine, which is neutral and non-polar, at codon 5233 of the ADGRV1 protein (p.Met5233Val). This variant is not present in population databases (gnomAD no frequency). This variant has not been reported in the literature in individuals affected with ADGRV1-related conditions. ClinVar contains an entry for this variant (Variation ID: 906623). Algorithms developed to predict the effect of missense changes on protein structure and function output the following: SIFT: "Tolerated"; PolyPhen-2: "Benign"; Align-GVGD: "Class C0". The valine amino acid residue is found in multiple mammalian species, which suggests that this missense change does not adversely affect protein function. Algorithms developed to predict the effect of sequence changes on RNA splicing suggest that this variant may create or strengthen a splice site. In summary, the available evidence is currently insufficient to determine the role of this variant in disease. Therefore, it has been classified as a Variant of Uncertain Significance.

Illumina Laboratory Services, Illumina
Classification: Uncertain significance for Usher syndrome type 2C. Last evaluated: 2018-01-13. Review status: criteria provided, single submitter. Criteria: ICSL Variant Classification Criteria 13 December 2019. Collection method: clinical testing. Allele origin: germline.

NM_032119.4(ADGRV1):c.15697A>G (p.Met5233Val)

Gene: ADGRV1 (adhesion G protein-coupled receptor V1; plus strand). Cytogenetic location: 5q14.3.
Variant type: single nucleotide variant.
Coding change: c.15697A>G on transcript NM_032119.4 (MANE Select); coding-DNA position 15697, A replaced by G.
Protein change: p.Met5233Val; replaces methionine 5233 with valine.
Molecular consequence: missense variant. On other transcripts: non-coding transcript variant (1).
Genome position (GRCh38, 1-based): chr5:90,810,957, A>G. VCF-style: chr5-90810957-A-G. GRCh37 (hg19) VCF-style: chr5-90106774-A-G.
Other names: short protein forms M5233V.
Identifiers: ClinVar variation 906623 (VCV000906623.6), dbSNP rs937520838, ClinGen allele CA360410529.